The following is an entry in ClinVar:

ClinVar aggregate classification (germline): Benign. Review status: criteria provided, multiple submitters, no conflicts (2 of 4 stars). 4 submissions from 4 submitters: Benign (4). Last evaluated 2022-06-19.

Allele frequency attached by ClinVar (database versions not stated): gnomAD 0.02190 and 0.02385; 1000 Genomes Project 0.02256; TOPMed 0.02559; 1000 Genomes Project 30x 0.02467; ExAC 0.01176; ESP Exome Variant Server 0.02197.
gnomAD v4.1: 5,981 of 1,525,358 alleles (0.39%); highest among the groups gnomAD compares: African/African-American, 7.6%; 228 homozygotes.

Submissions (4):

Mayo Clinic Laboratories, Mayo Clinic
Classification: Benign. Last evaluated: 2022-06-19. Review status: criteria provided, single submitter. Criteria: ACMG Guidelines, 2015. Collection method: clinical testing. Allele origin: germline. Observed: 4 variant alleles.

GeneDx
Classification: Benign. Last evaluated: 2016-02-12. Review status: criteria provided, single submitter. Criteria: GeneDx Variant Classification (06012015). Collection method: clinical testing. Allele origin: germline. Affected: yes.
Comment: This variant is considered likely benign or benign based on one or more of the following criteria: it is a conservative change, it occurs at a poorly conserved position in the protein, it is predicted to be benign by multiple in silico algorithms, and/or has population frequency not consistent with disease.

Eurofins Ntd Llc (ga)
Classification: Benign. Last evaluated: 2014-12-23. Review status: criteria provided, single submitter. Criteria: EGL Classification Definitions 2015. Collection method: clinical testing. Allele origin: germline. Observed: 1 variant allele, 1 heterozygote.

Breakthrough Genomics
Classification: Benign. Review status: criteria provided, single submitter. Criteria: ACMG Guidelines, 2015. Collection method: not provided. Allele origin: germline. Inheritance: Autosomal recessive inheritance. Affected: yes.

NM_018297.4(NGLY1):c.-8G>A

Genes: NGLY1 (N-glycanase 1; minus strand), LOC129936379 (ATAC-STARR-seq lymphoblastoid silent region 14147; plus strand). Cytogenetic location: 3p24.2.
Variant type: single nucleotide variant.
Coding change: c.-8G>A on transcript NM_018297.4 (MANE Select); 8 bases upstream of the start codon, G replaced by A.
Molecular consequence: 5 prime UTR variant. On other transcripts: intron variant (1).
Genome position (GRCh38, 1-based): chr3:25,783,398, C>T on the plus strand (G>A on the coding strand, the complement: NGLY1 is on the minus strand). VCF-style: chr3-25783398-C-T. GRCh37 (hg19) VCF-style: chr3-25824889-C-T.
Other names: c.-8G>A (NM_001145293.2, NM_001145295.2); c.6-4710G>A (NM_001145294.2).
Identifiers: ClinVar variation 193394 (VCV000193394.7), dbSNP rs1488996, ClinGen allele CA200551.
Genomic context (GRCh38, chr3:25,783,398, plus strand): 5'-GCCACGGCCGGGGACGCCGAGCCTGAGGAGCTGCCCAATGCCGCCGCCGCCATGCTTGAG[C>T]GCCAGCGGGCGCCGCCGCCGCCCCTCGCTCTCCGCGTCCCACACTGAGCAGGCGCCTCAG-3'